The following is an entry in ClinVar:

NM_130839.5(UBE3A):c.2545_2560dup (p.Lys854fs)

Genes: SNHG14 (small nucleolar RNA host gene 14; plus strand), UBE3A (ubiquitin protein ligase E3A; minus strand). Cytogenetic location: 15q11.2.
Variant type: Duplication.
Coding change: c.2545_2560dup on transcript NM_130839.5 (MANE Select); coding-DNA positions 2545 to 2560, 16 bases duplicated (TACTCAAGCAAAGAAA).
Protein change: p.Lys854fs; shifts the reading frame from lysine 854.
Molecular consequence: frameshift variant. On other transcripts: non-coding transcript variant (1).
Genome position (GRCh38, 1-based): chr15:25,339,196-25,339,211, TTTCTTTGCTTGAGTA duplicated on the plus strand (TACTCAAGCAAAGAAA on the coding strand, the reverse complement: UBE3A is on the minus strand); duplicating any 16 consecutive bases within chr15:25,339,196-25,339,213 gives the same sequence; the c. name uses the placement nearest the transcript's 3' end. VCF-style (leftmost placement, unchanged base first): chr15-25339195-T-TTTTCTTTGCTTGAGTA. GRCh37 (hg19) VCF-style: chr15-25584342-T-TTTTCTTTGCTTGAGTA.
Other names: c.2554_2569dup, p.Lys857fs (NM_000462.5); c.2545_2560dup, p.Lys854fs (NM_001354505.1, NM_001354538.2); c.2485_2500dup, p.Lys834fs (NM_001354506.2, NM_001354507.2, NM_001354508.2 and 14 more transcripts); c.2389_2404dup, p.Lys802fs (NM_001354545.2); c.2368_2383dup, p.Lys795fs (NM_001354546.2); c.2329_2344dup, p.Lys782fs (NM_001354547.2, NM_001354548.2); c.2320_2335dup, p.Lys779fs (NM_001354549.2); c.1294_1309dup, p.Lys437fs (NM_001354550.2); and 1 more; short protein forms K417fs, K795fs, K802fs, K437fs, K834fs, K779fs, K854fs, K782fs.
Identifiers: ClinVar variation 2835088 (VCV002835088.3), dbSNP rs2552181688, ClinGen allele CA2739278992.
Genomic context (GRCh38, chr15:25,339,195, plus strand): 5'-TTTTACAGCATGCCAAATCCTTTGGCATACGTGATGGCCTTCAACAATCTCTCTTTAAGT[T>TTTTCTTTGCTTGAGTA]TTTCTTTGCTTGAGTATTCCGGAAGTAAAAGCACATTAAAGCAAGTATGAGATGTAGGTA-3'

ClinVar aggregate classification (germline): Pathogenic (1 of 4 stars; one submission).

Conditions:
Angelman syndrome (AS). Also called: HAPPY PUPPET SYNDROME. Identifiers: Orphanet 72, MedGen C0162635, MONDO:0007113, OMIM 105830. Disease mechanism: loss of function. Inheritance: AS is caused by disruption of maternally imprinted UBE3A located within the 15q11.2-q13 Angelman syndrome/Prader-Willi syndrome (AS/PWS) region., imprinting disorder.

Submission:

Labcorp Genetics (formerly Invitae), Labcorp
Classification: Pathogenic for Angelman syndrome. Last evaluated: 2023-02-06. Review status: criteria provided, single submitter. Criteria: Invitae Variant Classification Sherloc (09022015). Collection method: clinical testing. Allele origin: germline.
Comment: For these reasons, this variant has been classified as Pathogenic. This variant disrupts a region of the UBE3A protein in which other variant(s) (p.Gly850Asp) have been determined to be pathogenic (PMID: 27620904). This suggests that this is a clinically significant region of the protein, and that variants that disrupt it are likely to be disease-causing. This variant has not been reported in the literature in individuals affected with UBE3A-related conditions. This variant is not present in population databases (gnomAD no frequency). This sequence change creates a premature translational stop signal (p.Lys834Ilefs*8) in the UBE3A gene. While this is not anticipated to result in nonsense mediated decay, it is expected to disrupt the last 19 amino acid(s) of the UBE3A protein.

Literature cited by the submitters: PubMed 27620904.